The following is an entry in ClinVar:

ClinVar aggregate classification (germline): Benign/Likely benign. Review status: criteria provided, multiple submitters, no conflicts (2 of 4 stars). 4 submissions from 4 submitters: Benign (1); Likely benign (3). Last evaluated 2026-05-20.

Conditions:
Hereditary cancer-predisposing syndrome. Also called: Hereditary neoplastic syndrome; Neoplastic Syndromes, Hereditary; Hereditary Cancer Syndrome; Tumor predisposition. Identifiers: Orphanet 140162, MedGen C0027672, MeSH D009386, MONDO:0015356.
Neurofibromatosis, type 1 (NF1). Also called: NEUROFIBROMATOSIS, TYPE I, SOMATIC; Neurofibromatosis, type I; VON RECKLINGHAUSEN DISEASE; Peripheral type neurofibromatosis. Identifiers: Orphanet 636, MedGen C0027831, MONDO:0018975, OMIM 162200. Disease mechanism: loss of function.

Allele frequency attached by ClinVar (database versions not stated): gnomAD 0.00002; gnomAD exomes below 0.00001 and 0.00001; TOPMed 0.00002.
gnomAD v4.1: 19 of 1,613,972 alleles (0.0012%); highest among the groups gnomAD compares: Non-Finnish European, 0.0016%; no homozygotes.

Submissions (4):

Myriad Genetics, Inc.
Classification: Benign for Neurofibromatosis, type 1. Last evaluated: 2026-05-20. Review status: criteria provided, single submitter. Criteria: Myriad Autosomal Dominant, Autosomal Recessive and X-Linked Classification Criteria (2023). Collection method: clinical testing. Allele origin: unknown.
Comment: This variant is considered benign. This variant is a silent/synonymous amino acid change and it is not expected to impact splicing.

Labcorp Genetics (formerly Invitae), Labcorp
Classification: Likely benign for Neurofibromatosis, type 1. Last evaluated: 2025-06-15. Review status: criteria provided, single submitter. Criteria: Invitae Variant Classification Sherloc (09022015). Collection method: clinical testing. Allele origin: germline.

Genome-Nilou Lab
Classification: Likely benign for Neurofibromatosis, type 1. Last evaluated: 2022-03-15. Review status: criteria provided, single submitter. Criteria: ACMG Guidelines, 2015. Collection method: clinical testing. Allele origin: germline. Affected: no.

Ambry Genetics
Classification: Likely benign for Hereditary cancer-predisposing syndrome. Last evaluated: 2016-07-04. Review status: criteria provided, single submitter. Criteria: Ambry Autosomal Dominant and X-Linked criteria (10/2015). Collection method: clinical testing. Allele origin: germline. Observed: 1 variant allele.

NM_001042492.3(NF1):c.5676A>G (p.Leu1892=)

Gene: NF1 (neurofibromin 1; plus strand). Cytogenetic location: 17q11.2.
Variant type: single nucleotide variant.
Coding change: c.5676A>G on transcript NM_001042492.3 (MANE Select); coding-DNA position 5676, A replaced by G.
Protein change: p.Leu1892=; no amino-acid change (leucine 1892 retained).
Molecular consequence: synonymous variant.
Genome position (GRCh38, 1-based): chr17:31,330,362, A>G. VCF-style: chr17-31330362-A-G. GRCh37 (hg19) VCF-style: chr17-29657380-A-G.
Other names: c.5613A>G, p.Leu1871= (NM_000267.4).
Identifiers: ClinVar variation 229667 (VCV000229667.15), dbSNP rs876658130, ClinGen allele CA10580355.